The following is an entry in ClinVar:

ClinVar aggregate classification (germline): Uncertain significance (1 of 4 stars; one submission).

Allele frequency attached by ClinVar (database versions not stated): gnomAD exomes below 0.00001 and 0.00001; ExAC 0.00001; gnomAD 0.00003 and 0.00004; TOPMed 0.00003.
gnomAD v4.1: 12 of 1,613,970 alleles (0.00074%); highest among the groups gnomAD compares: East Asian, 0.0067%; no homozygotes.

Submission:

Labcorp Genetics (formerly Invitae), Labcorp
Classification: Uncertain significance. Last evaluated: 2023-11-27. Review status: criteria provided, single submitter. Criteria: Invitae Variant Classification Sherloc (09022015). Collection method: clinical testing. Allele origin: germline.
Comment: This sequence change replaces arginine, which is basic and polar, with glutamine, which is neutral and polar, at codon 167 of the SNIP1 protein (p.Arg167Gln). This variant is present in population databases (rs760872087, gnomAD 0.007%). This variant has not been reported in the literature in individuals affected with SNIP1-related conditions. ClinVar contains an entry for this variant (Variation ID: 1387803). Advanced modeling of protein sequence and biophysical properties (such as structural, functional, and spatial information, amino acid conservation, physicochemical variation, residue mobility, and thermodynamic stability) performed at Invitae indicates that this missense variant is not expected to disrupt SNIP1 protein function with a negative predictive value of 80%. In summary, the available evidence is currently insufficient to determine the role of this variant in disease. Therefore, it has been classified as a Variant of Uncertain Significance.

NM_024700.4(SNIP1):c.500G>A (p.Arg167Gln)

Genes: SNIP1 (Smad nuclear interacting protein 1; minus strand), LOC126805704 (BRD4-independent group 4 enhancer GRCh37_chr1:38005292-38006491; plus strand). Cytogenetic location: 1p34.3.
Variant type: single nucleotide variant.
Coding change: c.500G>A on transcript NM_024700.4 (MANE Select); coding-DNA position 500, G replaced by A.
Protein change: p.Arg167Gln; replaces arginine 167 with glutamine.
Molecular consequence: missense variant.
Genome position (GRCh38, 1-based): chr1:37,540,583, C>T on the plus strand (G>A on the coding strand, the complement: SNIP1 is on the minus strand). VCF-style: chr1-37540583-C-T. GRCh37 (hg19) VCF-style: chr1-38006184-C-T.
Other names: short protein forms R167Q.
Identifiers: ClinVar variation 1387803 (VCV001387803.8), dbSNP rs760872087, ClinGen allele CA771319.